The following is an entry in ClinVar:

NM_013266.4(CTNNA3):c.256G>A (p.Glu86Lys)

Gene: CTNNA3 (catenin alpha 3; minus strand). Cytogenetic location: 10q21.3.
Variant type: single nucleotide variant.
Coding change: c.256G>A on transcript NM_013266.4 (MANE Select); coding-DNA position 256, G replaced by A.
Protein change: p.Glu86Lys; replaces glutamic acid 86 with lysine.
Molecular consequence: missense variant.
Genome position (GRCh38, 1-based): chr10:67,606,893, C>T on the plus strand (G>A on the coding strand, the complement: CTNNA3 is on the minus strand). VCF-style: chr10-67606893-C-T. GRCh37 (hg19) VCF-style: chr10-69366651-C-T.
Other names: c.256G>A, p.Glu86Lys (NM_001127384.3); c.292G>A, p.Glu98Lys (NM_001291133.2); short protein forms E86K, E98K.
Identifiers: ClinVar variation 4797277 (VCV004797277.1).
Genomic context (GRCh38, chr10:67,606,893, plus strand): 5'-CCTGACCAGGATTGGAGTACTCACTTTCTTTGCGAACTTCCTCAAGTGAAGCCGTAAGCT[C>T]ATCCTTTAAAACTGTAGCTTCCTGGGCAATCTTCTCTCCCTTGTCTAATAAATTCCAAGT-3'
Protein context (NP_037398.2, residues 76-96): IAQEATVLKD[Glu86Lys]LTASLEEVRK

ClinVar aggregate classification (germline): Uncertain significance (1 of 4 stars; one submission).

Conditions:
Arrhythmogenic right ventricular dysplasia 13. Also called: ARRHYTHMOGENIC RIGHT VENTRICULAR CARDIOMYOPATHY 13; Arrhythmogenic right ventricular dysplasia, familial, 13. Identifiers: MedGen C3810138, MONDO:0000908, OMIM 615616.

Submission:

Labcorp Genetics (formerly Invitae), Labcorp
Classification: Uncertain significance for Arrhythmogenic right ventricular dysplasia 13. Last evaluated: 2025-02-27. Review status: criteria provided, single submitter. Criteria: Invitae Variant Classification Sherloc (09022015). Collection method: clinical testing. Allele origin: germline.
Comment: This sequence change replaces glutamic acid, which is acidic and polar, with lysine, which is basic and polar, at codon 86 of the CTNNA3 protein (p.Glu86Lys). This variant is not present in population databases (gnomAD no frequency). This variant has not been reported in the literature in individuals affected with CTNNA3-related conditions. Invitae Evidence Modeling of protein sequence and biophysical properties (such as structural, functional, and spatial information, amino acid conservation, physicochemical variation, residue mobility, and thermodynamic stability) indicates that this missense variant is not expected to disrupt CTNNA3 protein function with a negative predictive value of 80%. In summary, the available evidence is currently insufficient to determine the role of this variant in disease. Therefore, it has been classified as a Variant of Uncertain Significance.